The following is an entry in ClinVar:

NM_000540.3(RYR1):c.8773G>A (p.Glu2925Lys)

Gene: RYR1 (ryanodine receptor 1; plus strand). Cytogenetic location: 19q13.2.
Variant type: single nucleotide variant.
Coding change: c.8773G>A on transcript NM_000540.3 (MANE Select); coding-DNA position 8773, G replaced by A.
Protein change: p.Glu2925Lys; replaces glutamic acid 2925 with lysine.
Molecular consequence: missense variant.
Genome position (GRCh38, 1-based): chr19:38,506,909, G>A. VCF-style: chr19-38506909-G-A. GRCh37 (hg19) VCF-style: chr19-38997549-G-A.
Other names: c.8773G>A, p.Glu2925Lys (NM_001042723.2); short protein forms E2925K.
Identifiers: ClinVar variation 1676234 (VCV001676234.2), dbSNP rs2145638522, ClinGen allele CA405681226.

ClinVar aggregate classification (germline): Uncertain significance (1 of 4 stars; one submission).

Conditions:
RYR1-related myopathy. Identifiers: Orphanet 98742, MedGen CN305348, MONDO:0100150.

gnomAD v4.1: 1 of 1,613,266 alleles (0.000062%); no homozygotes.

Submission:

Molecular Genetics, Royal Melbourne Hospital
Classification: Uncertain significance for RYR1-related myopathy. Last evaluated: 2023-03-30. Review status: criteria provided, single submitter. Criteria: ACMG Guidelines, 2015. Collection method: clinical testing. Allele origin: germline. Affected: yes.
Comment: This sequence change in RYR1 is predicted to replace glutamic acid with lysine at codon 2925 (p.(Glu2925Lys)). The glutamic acid residue is highly conserved (100 vertebrates, UCSC), and is located in exon 57. There is a small physicochemical difference between glutamic acid and lysine. This variant is absent from gnomAD v2.1 and v3.1. To our knowledge, this variant has not been reported in the literature in any individuals with RYR1-related disorders. Multiple lines of computational evidence predict a deleterious effect for the missense substitution (5/5 algorithms). Based on the classification scheme RMH Modified ACMG Guidelines v1.4.0, this variant is classified as a VARIANT OF UNCERTAIN SIGNIFICANCE. Following criteria are met: PP3.